The following is an entry in ClinVar:

ClinVar aggregate classification (germline): Uncertain significance (1 of 4 stars; one submission).

Allele frequency attached by ClinVar (database versions not stated): TOPMed below 0.00001.
gnomAD v4.1: 3 of 1,614,144 alleles (0.00019%); highest among the groups gnomAD compares: Non-Finnish European, 0.00025%; no homozygotes.

Submission:

Labcorp Genetics (formerly Invitae), Labcorp
Classification: Uncertain significance. Last evaluated: 2024-03-06. Review status: criteria provided, single submitter. Criteria: Invitae Variant Classification Sherloc (09022015). Collection method: clinical testing. Allele origin: germline.
Comment: This sequence change replaces asparagine, which is neutral and polar, with serine, which is neutral and polar, at codon 61 of the RERE protein (p.Asn61Ser). This variant is not present in population databases (gnomAD no frequency). This variant has not been reported in the literature in individuals affected with RERE-related conditions. Advanced modeling of protein sequence and biophysical properties (such as structural, functional, and spatial information, amino acid conservation, physicochemical variation, residue mobility, and thermodynamic stability) performed at Invitae indicates that this missense variant is not expected to disrupt RERE protein function with a negative predictive value of 95%. In summary, the available evidence is currently insufficient to determine the role of this variant in disease. Therefore, it has been classified as a Variant of Uncertain Significance.

NM_001042681.2(RERE):c.182A>G (p.Asn61Ser)

Gene: RERE (arginine-glutamic acid dipeptide repeats; minus strand). Cytogenetic location: 1p36.23.
Variant type: single nucleotide variant.
Coding change: c.182A>G on transcript NM_001042681.2 (MANE Select); coding-DNA position 182, A replaced by G.
Protein change: p.Asn61Ser; replaces asparagine 61 with serine.
Molecular consequence: missense variant.
Genome position (GRCh38, 1-based): chr1:8,656,116, T>C on the plus strand (A>G on the coding strand, the complement: RERE is on the minus strand). VCF-style: chr1-8656116-T-C. GRCh37 (hg19) VCF-style: chr1-8716175-T-C.
Other names: c.182A>G, p.Asn61Ser (NM_012102.4); short protein forms N61S.
Identifiers: ClinVar variation 2962568 (VCV002962568.3), dbSNP rs534988437, ClinGen allele CA17872918.